The following is an entry in ClinVar:

ClinVar aggregate classification (germline): Uncertain significance. Review status: criteria provided, multiple submitters, no conflicts (2 of 4 stars). 2 submissions from 2 submitters: Uncertain significance (2). Last evaluated 2025-04-14.

Conditions:
Familial hypercholesterolemia. Also called: Familial hypercholesterolaemia. Identifiers: MedGen C0020445, MONDO:0005439.

Submissions (2):

Color Diagnostics, LLC DBA Color Health
Classification: Uncertain significance for Familial hypercholesterolemia. Last evaluated: 2025-04-14. Review status: criteria provided, single submitter. Criteria: ACMG Guidelines, 2015. Collection method: clinical testing. Allele origin: germline.
Comment: This missense variant replaces glycine with aspartic acid at codon 198 of the PCSK9 protein. Computational prediction is inconclusive regarding the impact of this variant on protein structure and function. To our knowledge, functional studies have not been reported for this variant. This variant has not been reported in individuals affected with PCSK9-related disorders in the literature. This variant has not been identified in the general population by the Genome Aggregation Database (gnomAD). The available evidence is insufficient to determine the role of this variant in disease conclusively. Therefore, this variant is classified as a Variant of Uncertain Significance.

Mendelics
Classification: Uncertain significance. Last evaluated: 2022-05-04. Review status: criteria provided, single submitter. Criteria: Mendelics Assertion Criteria 2019. Collection method: clinical testing. Allele origin: germline.

NM_174936.4(PCSK9):c.593G>A (p.Gly198Asp)

Gene: PCSK9 (proprotein convertase subtilisin/kexin type 9; plus strand). Cytogenetic location: 1p32.3.
Variant type: single nucleotide variant.
Coding change: c.593G>A on transcript NM_174936.4 (MANE Select); coding-DNA position 593, G replaced by A.
Protein change: p.Gly198Asp; replaces glycine 198 with aspartic acid.
Molecular consequence: missense variant.
Genome position (GRCh38, 1-based): chr1:55,052,347, G>A. VCF-style: chr1-55052347-G-A. GRCh37 (hg19) VCF-style: chr1-55518020-G-A.
Other names: c.716G>A, p.Gly239Asp (NM_001407240.1); c.593G>A, p.Gly198Asp (NM_001407241.1, NM_001407242.1, NM_001407244.1 and 1 more transcripts); c.536G>A, p.Gly179Asp (NM_001407243.1); c.401G>A, p.Gly134Asp (NM_001407245.1); c.218G>A, p.Gly73Asp (NM_001407246.1); short protein forms G198D, G179D, G134D, G239D, G73D.
Identifiers: ClinVar variation 1684992 (VCV001684992.3), dbSNP rs1053394659, ClinGen allele CA22759834.